The following is an entry in ClinVar:

NM_001378454.1(ALMS1):c.10882C>T (p.Arg3628Ter)

Gene: ALMS1 (ALMS1 centrosome and basal body associated protein; plus strand). Cytogenetic location: 2p13.1.
Variant type: single nucleotide variant.
Coding change: c.10882C>T on transcript NM_001378454.1 (MANE Select); coding-DNA position 10882, C replaced by T.
Protein change: p.Arg3628Ter; replaces arginine 3628 with a stop codon.
Molecular consequence: nonsense.
Genome position (GRCh38, 1-based): chr2:73,572,759, C>T. VCF-style: chr2-73572759-C-T. GRCh37 (hg19) VCF-style: chr2-73799886-C-T.
Other names: c.10885C>T, p.Arg3629Ter (NM_015120.4); short protein forms R3629*, R3628*.
Identifiers: ClinVar variation 434136 (VCV000434136.23), dbSNP rs1473611414, ClinGen allele CA347286010.
Genomic context (GRCh38, chr2:73,572,759, plus strand): 5'-CGACAGAGGCAACAGAGACAGCCTGAGTTGGGTGACAGGAAAGAACTGTCCTTGGTGGAC[C>T]GACTTGATCGTTTGGCTAAAATTCTTCAGAATCCAATCACACATTCTCTCCAGGTCTCAG-3'

ClinVar aggregate classification (germline): Pathogenic/Likely pathogenic. Review status: criteria provided, multiple submitters, no conflicts (2 of 4 stars). 7 submissions from 7 submitters: Pathogenic (6); Likely pathogenic (1). Last evaluated 2025-10-27.

Conditions:
Retinal dystrophy. Also called: Inherited retinal dystrophy. Identifiers: Orphanet 71862, MedGen C0854723, MeSH D058499, MONDO:0019118, HP:0000556.
Alstrom syndrome (ALMS). Identifiers: Orphanet 64, MedGen C0268425, MONDO:0008763, OMIM 203800.
Bardet-Biedl syndrome (BBS). Identifiers: Orphanet 110, MedGen C0752166, MONDO:0015229.

Allele frequency attached by ClinVar (database versions not stated): gnomAD exomes below 0.00001 and 0.00001; TOPMed below 0.00001.
gnomAD v4.1: 15 of 1,613,994 alleles (0.00093%); highest among the groups gnomAD compares: East Asian, 0.0022%; no homozygotes.

Submissions (7):

Labcorp Genetics (formerly Invitae), Labcorp
Classification: Pathogenic for Alstrom syndrome. Last evaluated: 2025-10-27. Review status: criteria provided, single submitter. Criteria: Invitae Variant Classification Sherloc (09022015). Collection method: clinical testing. Allele origin: germline.
Comment: This sequence change creates a premature translational stop signal (p.Arg3629*) in the ALMS1 gene. It is expected to result in an absent or disrupted protein product. Loss-of-function variants in ALMS1 are known to be pathogenic (PMID: 17594715). This variant is present in population databases (no rsID available, gnomAD 0.003%). This premature translational stop signal has been observed in individual(s) with ALMS1-related conditions (PMID: 15689433, 24400638). ClinVar contains an entry for this variant (Variation ID: 434136). For these reasons, this variant has been classified as Pathogenic.

Natera, Inc.
Classification: Pathogenic for Alstrom syndrome. Last evaluated: 2024-10-30. Review status: criteria provided, single submitter. Criteria: Natera Variant Classification Schema (03/2026). Collection method: clinical testing. Allele origin: germline.
Comment: The c.10885C>T variant in ALMS1 is a nonsense variant predicted to introduce a stop codon at amino acid 3629. This variant is expected to result in nonsense mediated decay, truncation, or a dysfunctional protein product. This variant is rare in the general population with a frequency below the threshold expected for the associated phenotype(s). This variant has been observed in one or more individuals affected with the associated recessive disease, as either homozygous or compound heterozygous with a second variant (PMID: 29718281, 32503575). Given the available evidence, this variant is classified as Pathogenic.

Fulgent Genetics
Classification: Likely pathogenic for Alstrom syndrome. Last evaluated: 2021-08-11. Review status: criteria provided, single submitter. Criteria: ACMG Guidelines, 2015. Collection method: clinical testing. Allele origin: unknown.

GeneDx
Classification: Pathogenic. Last evaluated: 2020-12-04. Review status: criteria provided, single submitter. Criteria: GeneDx Variant Classification Process June 2021. Collection method: clinical testing. Allele origin: germline. Affected: yes.
Comment: Identified in the compound heterozygous state with a pathogenic variant on the opposite allele (in trans) in multiple unrelated individuals with Alstrom Syndrome and in the homozygous state with a pathogenic variant on the opposite allele (in trans) in an individual with Bardet-Biedl syndrome in the published literature (Bond et al., 2005; Minton et al., 2006; Sathya Priya et al., 2015; Brofferio et al., 2017); Not observed at a significant frequency in large population cohorts (Lek et al., 2016); Nonsense variant predicted to result in protein truncation or nonsense mediated decay in a gene for which loss-of-function is a known mechanism of disease; Reported in ClinVar as pathogenic (ClinVar Variant ID# 434136; Landrum et al., 2016); This variant is associated with the following publications: (PMID: 15689433, 24400638, 28610912, 16720663, 22773737)

Genetic Services Laboratory, University of Chicago
Classification: Pathogenic for Alstrom syndrome. Last evaluated: 2017-03-21. Review status: criteria provided, single submitter. Criteria: ACMG Guidelines, 2015. Collection method: clinical testing. Allele origin: germline. Affected: yes.

Institute of Human Genetics, Univ. Regensburg, Univ. Regensburg
Classification: Pathogenic for Retinal dystrophy. Last evaluated: 2011-01-01. Review status: criteria provided, single submitter. Criteria: ACMG Guidelines, 2015. Collection method: clinical testing. Allele origin: germline. Affected: yes.

SN ONGC Dept of Genetics and Molecular biology Vision Research Foundation
Classification: Pathogenic for Bardet-Biedl syndrome. Review status: criteria provided, single submitter. Criteria: ACMG Guidelines, 2015. Collection method: research. Allele origin: biparental. Affected: yes.

Literature cited by the submitters: PubMed 17594715 (cited by Labcorp Genetics (formerly Invitae), Labcorp); PubMed 15689433 (cited by Labcorp Genetics (formerly Invitae), Labcorp and Institute of Human Genetics, Univ. Regensburg, Univ. Regensburg); PubMed 24400638 (cited by Labcorp Genetics (formerly Invitae), Labcorp); PubMed 29718281 (cited by Natera, Inc.); PubMed 32503575 (cited by Natera, Inc.); PubMed 2440063 (cited by Institute of Human Genetics, Univ. Regensburg, Univ. Regensburg).